The following is an entry in ClinVar:

ClinVar aggregate classification (germline): Uncertain significance. Review status: criteria provided, multiple submitters, no conflicts (2 of 4 stars). 2 submissions from 2 submitters: Uncertain significance (2). Last evaluated 2026-02-17.

Conditions:
Epidermolysis bullosa simplex, Ogna type (EBS5A). Also called: EPIDERMOLYSIS BULLOSA SIMPLEX 5A, OGNA TYPE; Pidermolysis bullosa simplex 5A, Ogna type. Identifiers: Orphanet 79401, MedGen C0432317, MONDO:0007555, OMIM 131950.
Epidermolysis bullosa simplex 5B, with muscular dystrophy (EBS5B). Also called: Epidermolysis bullosa simplex with muscular dystrophy; EPIDERMOLYSIS BULLOSA SIMPLEX AND LIMB-GIRDLE MUSCULAR DYSTROPHY. Identifiers: Orphanet 257, MedGen C2931072, MONDO:0009181, OMIM 226670.
Epidermolysis bullosa simplex with nail dystrophy (EBS5D). Identifiers: MedGen C4225309, MONDO:0014661, OMIM 616487.
Epidermolysis bullosa simplex 5C, with pyloric atresia (EBS5C). Also called: Epidermolysis bullosa simplex with pyloric atresia; PLEC-Related Epidermolysis Bullosa with Pyloric Atresia; PLEC1-Related Epidermolysis Bullosa with Pyloric Atresia. Identifiers: Orphanet 158684, MedGen C2677349, MONDO:0012807, OMIM 612138.
Autosomal recessive limb-girdle muscular dystrophy type 2Q (LGMDR17). Also called: MUSCULAR DYSTROPHY, LIMB-GIRDLE, AUTOSOMAL RECESSIVE 17. Identifiers: Orphanet 254361, MedGen C3150989, MONDO:0013390, OMIM 613723.
PLEC-related disorder. Also called: PLEC-related condition; PLEC-related disorders.

Submissions (2):

PreventionGenetics, part of Exact Sciences
Classification: Uncertain significance for PLEC-related condition. Last evaluated: 2026-02-17. Review status: criteria provided, single submitter. Criteria: ACMG Guidelines, 2015. Collection method: clinical testing. Allele origin: germline.
Comment: The PLEC c.8192A>G variant is predicted to result in the amino acid substitution p.Lys2731Arg. To our knowledge, this variant has not been reported in the literature or in a large population database (gnomAD), indicating this variant is rare. At this time, the clinical significance of this variant is uncertain due to the absence of conclusive functional and genetic evidence.

Labcorp Genetics (formerly Invitae), Labcorp
Classification: Uncertain significance for Autosomal recessive limb-girdle muscular dystrophy type 2Q; Epidermolysis bullosa simplex, Ogna type; Epidermolysis bullosa simplex with nail dystrophy; Epidermolysis bullosa simplex 5C, with pyloric atresia; Epidermolysis bullosa simplex 5B, with muscular dystrophy. Last evaluated: 2025-08-17. Review status: criteria provided, single submitter. Criteria: Invitae Variant Classification Sherloc (09022015). Collection method: clinical testing. Allele origin: germline.
Comment: This sequence change replaces lysine, which is basic and polar, with arginine, which is basic and polar, at codon 2731 of the PLEC protein (p.Lys2731Arg). This variant is not present in population databases (gnomAD no frequency). This variant has not been reported in the literature in individuals affected with PLEC-related conditions. An algorithm developed to predict the effect of missense changes on protein structure and function (PolyPhen-2) suggests that this variant is likely to be tolerated. In summary, the available evidence is currently insufficient to determine the role of this variant in disease. Therefore, it has been classified as a Variant of Uncertain Significance.

NM_201384.3(PLEC):c.8111A>G (p.Lys2704Arg)

Gene: PLEC (plectin; minus strand). Cytogenetic location: 8q24.3.
Variant type: single nucleotide variant.
Coding change: c.8111A>G on transcript NM_201384.3 (MANE Select); coding-DNA position 8111, A replaced by G.
Protein change: p.Lys2704Arg; replaces lysine 2704 with arginine.
Molecular consequence: missense variant.
Genome position (GRCh38, 1-based): chr8:143,921,710, T>C on the plus strand (A>G on the coding strand, the complement: PLEC is on the minus strand). VCF-style: chr8-143921710-T-C. GRCh37 (hg19) VCF-style: chr8-144995878-T-C.
Other names: c.8045A>G, p.Lys2682Arg (NM_201379.3); c.8192A>G, p.Lys2731Arg (NM_000445.5); c.4811A>G, p.Lys1604Arg (NM_001410941.1); c.8069A>G, p.Lys2690Arg (NM_201378.4); c.8522A>G, p.Lys2841Arg (NM_201380.4); c.8015A>G, p.Lys2672Arg (NM_201381.3); c.8111A>G, p.Lys2704Arg (NM_201382.4); c.8123A>G, p.Lys2708Arg (NM_201383.3); and 1 more; short protein forms K2672R, K2690R, K2682R, K2731R, K1604R, K2704R, K2708R, K2841R.
Identifiers: ClinVar variation 4790035 (VCV004790035.2).